The following is an entry in ClinVar:

ClinVar aggregate classification (germline): Likely benign. Review status: criteria provided, single submitter (1 of 4 stars). 2 submissions from 2 submitters: Likely benign (1). 1 of the submissions does not count toward it. Last evaluated 2023-03-23.

Conditions:
Hereditary cancer-predisposing syndrome. Also called: Tumor predisposition; Neoplastic Syndromes, Hereditary; Hereditary Cancer Syndrome; Hereditary neoplastic syndrome. Identifiers: Orphanet 140162, MedGen C0027672, MeSH D009386, MONDO:0015356.
Breast-ovarian cancer, familial, susceptibility to, 1 (BROVCA1). Also called: OVARIAN CANCER, SUSCEPTIBILITY TO; BRCA1 Hereditary Breast and Ovarian Cancer. Identifiers: Orphanet 145, MedGen C2676676, MONDO:0011450, OMIM 604370. Disease mechanism: loss of function.

Submissions (2):

University of Washington Department of Laboratory Medicine, University of Washington
Classification: Likely benign for Hereditary cancer-predisposing syndrome. Last evaluated: 2023-03-23. Review status: criteria provided, single submitter. Criteria: Dines et al. (Genet Med. 2020). Collection method: curation. Allele origin: germline.
Comment: Missense variant in a coldspot region where missense variants are very unlikely to be pathogenic (PMID:31911673).

BRCA1 coldspot (exon 11 using historical exon numbering). Reclassification based on statistical prior probability

Breast Cancer Information Core (BIC) (BRCA1)
Classification: Uncertain significance for Breast-ovarian cancer, familial 1. Review status: no assertion criteria provided. Collection method: clinical testing. Allele origin: germline. Affected: yes. Observed: 1 variant allele. Not counted in ClinVar's aggregate classification.

NM_007294.4(BRCA1):c.1127A>G (p.Asn376Ser)

Gene: BRCA1 (BRCA1 DNA repair associated; minus strand). Cytogenetic location: 17q21.31.
Variant type: single nucleotide variant.
Coding change: c.1127A>G on transcript NM_007294.4 (MANE Select); coding-DNA position 1127, A replaced by G.
Protein change: p.Asn376Ser; replaces asparagine 376 with serine.
Molecular consequence: missense variant. On other transcripts: intron variant (137).
Genome position (GRCh38, 1-based): chr17:43,094,404, T>C on the plus strand (A>G on the coding strand, the complement: BRCA1 is on the minus strand). VCF-style: chr17-43094404-T-C. GRCh37 (hg19) VCF-style: chr17-41246421-T-C.
Other names: c.914A>G, p.Asn305Ser (NM_001407571.1, NM_001407853.1, NM_001407894.1 and 9 more transcripts); c.1127A>G, p.Asn376Ser (NM_001407581.1, NM_001407582.1, NM_001407583.1 and 30 more transcripts); c.1124A>G, p.Asn375Ser (NM_001407587.1, NM_001407590.1, NM_001407591.1 and 22 more transcripts); c.1118A>G, p.Asn373Ser (NM_001407646.1, NM_001407647.1); c.1004A>G, p.Asn335Ser (NM_001407648.1, NM_001407664.1, NM_001407665.1 and 19 more transcripts); c.1001A>G, p.Asn334Ser (NM_001407649.1, NM_001407670.1, NM_001407671.1 and 11 more transcripts); c.1049A>G, p.Asn350Ser (NM_001407653.1, NM_001407654.1, NM_001407655.1 and 4 more transcripts); c.1046A>G, p.Asn349Ser (NM_001407659.1, NM_001407660.1, NM_001407661.1 and 1 more transcripts); and 40 more; short protein forms N376S, N329S, N208S, N265S, N305S, N350S, N373S, N248S.
Identifiers: ClinVar variation 54139 (VCV000054139.5), dbSNP rs80356976, ClinGen allele CA000753.